The following is an entry in ClinVar:

ClinVar aggregate classification (germline): Likely benign. Review status: criteria provided, single submitter (1 of 4 stars). 2 submissions from 2 submitters: Likely benign (1). 1 of the submissions does not count toward it. Last evaluated 2025-04-14.

Conditions:
PYGL-related disorder. Also called: PYGL-related condition.
Glycogen storage disease, type VI (GSD6). Also called: Glycogen storage disease type 6; Hepatic glycogen phosphorylase deficiency; HERS DISEASE; PHOSPHORYLASE DEFICIENCY GLYCOGEN-STORAGE DISEASE OF LIVER; Glycogen storage disease type 6, due to phosphorylation; GSD VI. Identifiers: Orphanet 369, MedGen C0017925, MONDO:0009294, OMIM 232700.

Allele frequency attached by ClinVar (database versions not stated): gnomAD exomes 0.00002; ExAC 0.00004; gnomAD 0.00012; ESP Exome Variant Server 0.00015; TOPMed 0.00015; 1000 Genomes Project 30x 0.00047; 1000 Genomes Project 0.00060.
gnomAD v4.1: 44 of 1,614,090 alleles (0.0027%); highest among the groups gnomAD compares: African/African-American, 0.053%; no homozygotes.

Submissions (2):

Labcorp Genetics (formerly Invitae), Labcorp
Classification: Likely benign for Glycogen storage disease, type VI. Last evaluated: 2025-04-14. Review status: criteria provided, single submitter. Criteria: Invitae Variant Classification Sherloc (09022015). Collection method: clinical testing. Allele origin: germline.

PreventionGenetics, part of Exact Sciences
Classification: Likely benign for PYGL-related condition. Last evaluated: 2022-06-14. Review status: no assertion criteria provided. Collection method: clinical testing. Allele origin: germline. Not counted in ClinVar's aggregate classification.
Comment: This variant is classified as likely benign based on ACMG/AMP sequence variant interpretation guidelines (Richards et al. 2015 PMID: 25741868, with internal and published modifications).

NM_002863.5(PYGL):c.1365C>T (p.Gly455=)

Gene: PYGL (glycogen phosphorylase L; minus strand). Cytogenetic location: 14q22.1.
Variant type: single nucleotide variant.
Coding change: c.1365C>T on transcript NM_002863.5 (MANE Select); coding-DNA position 1365, C replaced by T.
Protein change: p.Gly455=; no amino-acid change (glycine 455 retained).
Molecular consequence: synonymous variant.
Genome position (GRCh38, 1-based): chr14:50,915,374, G>A on the plus strand (C>T on the coding strand, the complement: PYGL is on the minus strand). VCF-style: chr14-50915374-G-A. GRCh37 (hg19) VCF-style: chr14-51382092-G-A.
Other names: c.1263C>T, p.Gly421= (NM_001163940.2); c.1365C>T (NM_002863.4).
Identifiers: ClinVar variation 2054483 (VCV002054483.6), dbSNP rs147154732, ClinGen allele CA7183489.